The following is an entry in ClinVar:

ClinVar aggregate classification (germline): Conflicting classifications of pathogenicity. Review status: criteria provided, conflicting classifications (1 of 4 stars). 3 submissions from 3 submitters: Likely pathogenic (1); Uncertain significance (2). Last evaluated 2025-08-15.

Conditions:
Hereditary cancer-predisposing syndrome. Also called: Tumor predisposition; Neoplastic Syndromes, Hereditary; Hereditary neoplastic syndrome; Hereditary Cancer Syndrome. Identifiers: Orphanet 140162, MedGen C0027672, MeSH D009386, MONDO:0015356.
Familial adenomatous polyposis 2. Also called: MYH-associated polyposis; FAP type 2; COLORECTAL ADENOMATOUS POLYPOSIS, AUTOSOMAL RECESSIVE; ADENOMAS, MULTIPLE COLORECTAL, AUTOSOMAL RECESSIVE; MUTYH-related attenuated familial adenomatous polyposis; MUTYH Polyposis. Identifiers: Orphanet 220460, Orphanet 247798, MedGen C3272841, MONDO:0012041, OMIM 608456.

Allele frequency attached by ClinVar (database versions not stated): gnomAD exomes below 0.00001; TOPMed below 0.00001; gnomAD 0.00001.
gnomAD v4.1: 2 of 1,613,952 alleles (0.00012%); highest among the groups gnomAD compares: Non-Finnish European, 0.00017%; no homozygotes.

Submissions (3):

Ambry Genetics
Classification: Likely pathogenic for Hereditary cancer-predisposing syndrome. Last evaluated: 2025-08-15. Review status: criteria provided, single submitter. Criteria: Ambry Variant Classification Scheme 2023. Collection method: clinical testing. Allele origin: germline.
Comment: The p.L388V variant (also known as c.1162C>G), located in coding exon 12 of the MUTYH gene, results from a C to G substitution at nucleotide position 1162. The leucine at codon 388 is replaced by valine, an amino acid with highly similar properties. In a massively parallel cell-based functional assay testing 7,8-dihydro-8-oxoguanine:adenine (8OG:A) repair activity, a byproduct of oxidative damage, this variant was reported to be non-functional (Hemker SL et al. Am J Hum Genet. Published online July 29, 2025. DOI: 10.1016/j.ajhg.2025.07.005). Based on internal structural analysis using published crystal structures, p.L388V is mildly destabilizing to the local structure and on an interface of an iron sulfur cluster (Wang L et al. J. Biol. Chem., 2017 03;292:5007-5017). This amino acid position is highly conserved in available vertebrate species. In addition, this alteration is predicted to be deleterious by in silico analysis. This variant is considered to be rare based on population cohorts in the Genome Aggregation Database (gnomAD). Based on the majority of available evidence to date, this variant is likely to be pathogenic.

Labcorp Genetics (formerly Invitae), Labcorp
Classification: Uncertain significance for Familial adenomatous polyposis 2. Last evaluated: 2025-07-14. Review status: criteria provided, single submitter. Criteria: Invitae Variant Classification Sherloc (09022015). Collection method: clinical testing. Allele origin: germline.
Comment: This sequence change replaces leucine, which is neutral and non-polar, with valine, which is neutral and non-polar, at codon 388 of the MUTYH protein (p.Leu388Val). This variant is not present in population databases (gnomAD no frequency). This variant has not been reported in the literature in individuals affected with MUTYH-related conditions. ClinVar contains an entry for this variant (Variation ID: 576734). An algorithm developed to predict the effect of missense changes on protein structure and function (PolyPhen-2) suggests that this variant is likely to be disruptive. This variant disrupts the p.Leu388 amino acid residue in MUTYH. Other variant(s) that disrupt this residue have been determined to be pathogenic (PMID: 16134147, 16941501, 17949294, 20848659, 23322991, 25820570). This suggests that this residue is clinically significant, and that variants that disrupt this residue are likely to be disease-causing. In summary, the available evidence is currently insufficient to determine the role of this variant in disease. Therefore, it has been classified as a Variant of Uncertain Significance.

GeneDx
Classification: Uncertain significance. Last evaluated: 2020-01-17. Review status: criteria provided, single submitter. Criteria: GeneDx Variant Classification Process June 2021. Collection method: clinical testing. Allele origin: germline. Affected: yes.
Comment: Not observed in large population cohorts (Lek 2016); Has not been previously published as pathogenic or benign to our knowledge

Literature cited by the submitters: PubMed 28130451 (cited by Ambry Genetics); PubMed 40738107 (cited by Ambry Genetics); PubMed 16134147 (cited by Labcorp Genetics (formerly Invitae), Labcorp); PubMed 16941501 (cited by Labcorp Genetics (formerly Invitae), Labcorp); PubMed 17949294 (cited by Labcorp Genetics (formerly Invitae), Labcorp); PubMed 20848659 (cited by Labcorp Genetics (formerly Invitae), Labcorp); PubMed 23322991 (cited by Labcorp Genetics (formerly Invitae), Labcorp); PubMed 25820570 (cited by Labcorp Genetics (formerly Invitae), Labcorp).

NM_001048174.2(MUTYH):c.1078C>G (p.Leu360Val)

Gene: MUTYH (mutY DNA glycosylase; minus strand). Cytogenetic location: 1p34.1.
Variant type: single nucleotide variant.
Coding change: c.1078C>G on transcript NM_001048174.2 (MANE Select); coding-DNA position 1078, C replaced by G.
Protein change: p.Leu360Val; replaces leucine 360 with valine.
Molecular consequence: missense variant. On other transcripts: non-coding transcript variant (2).
Genome position (GRCh38, 1-based): chr1:45,331,685, G>C on the plus strand (C>G on the coding strand, the complement: MUTYH is on the minus strand). VCF-style: chr1-45331685-G-C. GRCh37 (hg19) VCF-style: chr1-45797357-G-C.
Other names: c.1078C>G, p.Leu360Val (NM_001048171.2, NM_001048173.2, NM_001293195.2); c.1081C>G, p.Leu361Val (NM_001048172.2); c.1162C>G, p.Leu388Val (NM_001128425.2); c.1123C>G, p.Leu375Val (NM_001293190.2); c.1111C>G, p.Leu371Val (NM_001293191.2); c.802C>G, p.Leu268Val (NM_001293192.2, NM_001293196.2); c.733C>G, p.Leu245Val (NM_001350650.2, NM_001350651.2); c.1153C>G, p.Leu385Val (NM_012222.3); short protein forms L388V, L268V, L371V, L375V, L385V, L245V, L360V, L361V.
Identifiers: ClinVar variation 576734 (VCV000576734.13), dbSNP rs1249171431, ClinGen allele CA340133334.